The following is an entry in ClinVar:

ClinVar aggregate classification (germline): Uncertain significance (1 of 4 stars; one submission).

Conditions:
Cognitive impairment - coarse facies - heart defects - obesity - pulmonary involvement - short stature - skeletal dysplasia syndrome. Also called: Chops syndrome; COGNITIVE IMPAIRMENT, COARSE FACIES, HEART DEFECTS, OBESITY, PULMONARY INVOLVEMENT, SHORT STATURE, AND SKELETAL DYSPLASIA; AFF4-Related CHOPS Syndrome. Identifiers: Orphanet 444077, MedGen C4085597, MONDO:0014609, OMIM 616368.

Submission:

Labcorp Genetics (formerly Invitae), Labcorp
Classification: Uncertain significance for Cognitive impairment - coarse facies - heart defects - obesity - pulmonary involvement - short stature - skeletal dysplasia syndrome. Last evaluated: 2022-10-07. Review status: criteria provided, single submitter. Criteria: Invitae Variant Classification Sherloc (09022015). Collection method: clinical testing. Allele origin: germline.
Comment: Advanced modeling of protein sequence and biophysical properties (such as structural, functional, and spatial information, amino acid conservation, physicochemical variation, residue mobility, and thermodynamic stability) performed at Invitae indicates that this missense variant is expected to disrupt AFF4 protein function. This sequence change replaces lysine, which is basic and polar, with asparagine, which is neutral and polar, at codon 602 of the AFF4 protein (p.Lys602Asn). This variant is not present in population databases (gnomAD no frequency). This variant has not been reported in the literature in individuals affected with AFF4-related conditions. In summary, the available evidence is currently insufficient to determine the role of this variant in disease. Therefore, it has been classified as a Variant of Uncertain Significance.

NM_014423.4(AFF4):c.1806A>T (p.Lys602Asn)

Gene: AFF4 (ALF transcription elongation factor 4; minus strand). Cytogenetic location: 5q31.1.
Variant type: single nucleotide variant.
Coding change: c.1806A>T on transcript NM_014423.4 (MANE Select); coding-DNA position 1806, A replaced by T.
Protein change: p.Lys602Asn; replaces lysine 602 with asparagine.
Molecular consequence: missense variant.
Genome position (GRCh38, 1-based): chr5:132,896,824, T>A on the plus strand (A>T on the coding strand, the complement: AFF4 is on the minus strand). VCF-style: chr5-132896824-T-A. GRCh37 (hg19) VCF-style: chr5-132232516-T-A.
Other names: short protein forms K602N.
Identifiers: ClinVar variation 1721191 (VCV001721191.5), dbSNP rs2532475271, ClinGen allele CA360937276.